The following is an entry in ClinVar:

NM_006531.5(IFT88):c.1423dup (p.Ile475fs)

Gene: IFT88 (intraflagellar transport 88; plus strand). Cytogenetic location: 13q12.11.
Variant type: Duplication.
Coding change: c.1423dup on transcript NM_006531.5 (MANE Select); coding-DNA position 1423, one base duplicated (A; older notation c.1423dupA).
Protein change: p.Ile475fs; shifts the reading frame from isoleucine 475.
Molecular consequence: frameshift variant. On other transcripts: non-coding transcript variant (4).
Genome position (GRCh38, 1-based): chr13:20,638,368, A duplicated. VCF-style (leftmost placement, unchanged base first): chr13-20638367-T-TA. GRCh37 (hg19) VCF-style: chr13-21212506-T-TA.
Other names: c.1423dup, p.Ile475fs (NM_001353572.2, NM_001353568.2); c.1279dup, p.Ile427fs (NM_001353573.2); c.1264dup, p.Ile422fs (NM_001353574.2); c.1366dup, p.Ile456fs (NM_001353575.2, NM_001318491.2); c.1348dup, p.Ile450fs (NM_001353576.2, NM_001353577.2, NM_001353569.2 and 1 more transcripts); c.1321dup, p.Ile441fs (NM_001353578.2, NM_001353571.2); c.790dup, p.Ile264fs (NM_001353579.2); c.1450dup, p.Ile484fs (NM_175605.5, NM_001318493.2, NM_001353565.2 and 2 more transcripts); short protein forms I441fs, I264fs, I450fs, I422fs, I475fs, I484fs, I427fs, I456fs.
Identifiers: ClinVar variation 2970516 (VCV002970516.3), dbSNP rs1442794058, ClinGen allele CA696420264.

ClinVar aggregate classification (germline): Uncertain significance (1 of 4 stars; one submission).

Allele frequency attached by ClinVar (database versions not stated): gnomAD exomes below 0.00001; TOPMed 0.00001.

Submission:

Labcorp Genetics (formerly Invitae), Labcorp
Classification: Uncertain significance. Last evaluated: 2025-10-08. Review status: criteria provided, single submitter. Criteria: Invitae Variant Classification Sherloc (09022015). Collection method: clinical testing. Allele origin: germline.
Comment: This sequence change creates a premature translational stop signal (p.Ile484Asnfs*6) in the IFT88 gene. It is expected to result in an absent or disrupted protein product. However, the current clinical and genetic evidence is not sufficient to establish whether loss-of-function variants in IFT88 cause disease. This variant is not present in population databases (gnomAD no frequency). This variant has not been reported in the literature in individuals affected with IFT88-related conditions. ClinVar contains an entry for this variant (Variation ID: 2970516). In summary, the available evidence is currently insufficient to determine the role of this variant in disease. Therefore, it has been classified as a Variant of Uncertain Significance.